The following is an entry in ClinVar:

NM_205850.3(SLC24A5):c.737C>T (p.Pro246Leu)

Genes: MYEF2 (myelin expression factor 2; minus strand), SLC24A5 (solute carrier family 24 member 5; plus strand). Cytogenetic location: 15q21.1.
Variant type: single nucleotide variant.
Coding change: c.737C>T on transcript NM_205850.3 (MANE Select); coding-DNA position 737, C replaced by T.
Protein change: p.Pro246Leu; replaces proline 246 with leucine.
Molecular consequence: missense variant. On other transcripts: 3 prime UTR variant (2).
Genome position (GRCh38, 1-based): chr15:48,136,829, C>T. VCF-style: chr15-48136829-C-T. GRCh37 (hg19) VCF-style: chr15-48429026-C-T.
Other names: c.*6079G>A (NM_001301210.2, NM_016132.5); short protein forms P246L.
Identifiers: ClinVar variation 1912988 (VCV001912988.5), dbSNP rs369645952, ClinGen allele CA269990890.

ClinVar aggregate classification (germline): Uncertain significance (1 of 4 stars; one submission).

Allele frequency attached by ClinVar (database versions not stated): gnomAD exomes 0.00001; gnomAD 0.00002; TOPMed 0.00002; ESP Exome Variant Server 0.00008.
gnomAD v4.1: 15 of 1,613,806 alleles (0.00093%); highest among the groups gnomAD compares: African/African-American, 0.012%; no homozygotes.

Submission:

Labcorp Genetics (formerly Invitae), Labcorp
Classification: Uncertain significance. Last evaluated: 2022-05-04. Review status: criteria provided, single submitter. Criteria: Invitae Variant Classification Sherloc (09022015). Collection method: clinical testing. Allele origin: germline.
Comment: In summary, the available evidence is currently insufficient to determine the role of this variant in disease. Therefore, it has been classified as a Variant of Uncertain Significance. Algorithms developed to predict the effect of missense changes on protein structure and function output the following: SIFT: "Tolerated"; PolyPhen-2: "Benign"; Align-GVGD: "Class C0". The leucine amino acid residue is found in multiple mammalian species, which suggests that this missense change does not adversely affect protein function. This variant has not been reported in the literature in individuals affected with SLC24A5-related conditions. This variant is present in population databases (rs369645952, gnomAD 0.01%). This sequence change replaces proline, which is neutral and non-polar, with leucine, which is neutral and non-polar, at codon 246 of the SLC24A5 protein (p.Pro246Leu).